The following is an entry in ClinVar:

ClinVar aggregate classification (germline): Likely pathogenic. Review status: criteria provided, multiple submitters, no conflicts (2 of 4 stars). 3 submissions from 3 submitters: Likely pathogenic (3). Last evaluated 2024-08-28.

Conditions:
NPHP3-related disorder. Also called: NPHP3-related disorders; NPHP3-related condition. Identifiers: MedGen CN379163.
Nephronophthisis. Also called: Juvenile Nephronophthisis. Identifiers: Orphanet 655, MedGen C0687120, MONDO:0019005, HP:0000090.
Nephronophthisis 3 (NPHP3). Also called: Adolescent nephronophthisis. Identifiers: Orphanet 655, MedGen C1858392, MONDO:0011456, OMIM 604387.
Renal-hepatic-pancreatic dysplasia 1 (RHPD1). Identifiers: MedGen C3715199, MONDO:0008833, OMIM 208540.
NPHP3-related Meckel-like syndrome. Also called: GOLDSTON SYNDROME; Meckel syndrome type 7. Identifiers: Orphanet 3032, MedGen C2673885, MONDO:0009966, OMIM 267010.

Allele frequency attached by ClinVar (database versions not stated): TOPMed below 0.00001; gnomAD 0.00001.
gnomAD v4.1: 42 of 1,613,510 alleles (0.0026%); highest among the groups gnomAD compares: Non-Finnish European, 0.0035%; no homozygotes.

Submissions (3):

Labcorp Genetics (formerly Invitae), Labcorp
Classification: Likely pathogenic for Nephronophthisis. Last evaluated: 2024-08-28. Review status: criteria provided, single submitter. Criteria: Invitae Variant Classification Sherloc (09022015). Collection method: clinical testing. Allele origin: germline.
Comment: This sequence change affects a donor splice site in intron 15 of the NPHP3 gene. It is expected to disrupt RNA splicing. Variants that disrupt the donor or acceptor splice site typically lead to a loss of protein function (PMID: 16199547), and loss-of-function variants in NPHP3 are known to be pathogenic (PMID: 18371931, 23559409). This variant is present in population databases (no rsID available, gnomAD 0.007%). This variant has not been reported in the literature in individuals affected with NPHP3-related conditions. ClinVar contains an entry for this variant (Variation ID: 1347165). Algorithms developed to predict the effect of sequence changes on RNA splicing suggest that this variant may disrupt the consensus splice site. In summary, the currently available evidence indicates that the variant is pathogenic, but additional data are needed to prove that conclusively. Therefore, this variant has been classified as Likely Pathogenic.

Fulgent Genetics
Classification: Likely pathogenic for Renal-hepatic-pancreatic dysplasia 1; NPHP3-related Meckel-like syndrome; Nephronophthisis 3. Last evaluated: 2024-04-16. Review status: criteria provided, single submitter. Criteria: ACMG Guidelines, 2015. Collection method: clinical testing. Allele origin: germline.

Blueprint Genetics
Classification: Likely pathogenic for NPHP3-related disorders. Last evaluated: 2022-05-08. Review status: criteria provided, single submitter. Criteria: ACMG Guidelines, 2015. Collection method: clinical testing. Allele origin: germline. Affected: yes. Observed: 2 variant alleles.

Literature cited by the submitters: PubMed 16199547 (cited by Labcorp Genetics (formerly Invitae), Labcorp); PubMed 18371931 (cited by Labcorp Genetics (formerly Invitae), Labcorp); PubMed 23559409 (cited by Labcorp Genetics (formerly Invitae), Labcorp).

NM_153240.5(NPHP3):c.2171+1G>A

Genes: NPHP3-ACAD11 (NPHP3-ACAD11 readthrough (NMD candidate); minus strand), NPHP3 (nephrocystin 3; minus strand). Cytogenetic location: 3q22.1.
Variant type: single nucleotide variant.
Coding change: c.2171+1G>A on transcript NM_153240.5 (MANE Select); the canonical splice donor site of the intron after coding-DNA position 2171, G replaced by A.
Molecular consequence: splice donor variant.
Genome position (GRCh38, 1-based): chr3:132,696,730, C>T on the plus strand (G>A on the coding strand, the complement: NPHP3 is on the minus strand). VCF-style: chr3-132696730-C-T. GRCh37 (hg19) VCF-style: chr3-132415574-C-T.
Identifiers: ClinVar variation 1347165 (VCV001347165.9), dbSNP rs1280230808, ClinGen allele CA354581926.